The following is an entry in ClinVar:

NM_199420.4(POLQ):c.299T>C (p.Leu100Pro)

Gene: POLQ (DNA polymerase theta; minus strand). Cytogenetic location: 3q13.33.
Variant type: single nucleotide variant.
Coding change: c.299T>C on transcript NM_199420.4 (MANE Select); coding-DNA position 299, T replaced by C.
Protein change: p.Leu100Pro; replaces leucine 100 with proline.
Molecular consequence: missense variant.
Genome position (GRCh38, 1-based): chr3:121,544,771, A>G on the plus strand (T>C on the coding strand, the complement: POLQ is on the minus strand). VCF-style: chr3-121544771-A-G. GRCh37 (hg19) VCF-style: chr3-121263618-A-G.
Other names: short protein forms L100P.
Identifiers: ClinVar variation 2625817 (VCV002625817.2), dbSNP rs2546827862, ClinGen allele CA354094391.

ClinVar aggregate classification (germline): Uncertain significance (1 of 4 stars; one submission).

Submission:

Ambry Genetics
Classification: Uncertain significance. Last evaluated: 2023-06-28. Review status: criteria provided, single submitter. Criteria: Ambry Variant Classification Scheme 2023. Collection method: clinical testing. Allele origin: germline.
Comment: The p.L100P variant (also known as c.299T>C), located in coding exon 2 of the POLQ gene, results from a T to C substitution at nucleotide position 299. The leucine at codon 100 is replaced by proline, an amino acid with similar properties. This amino acid position is conserved. In addition, this alteration is predicted to be deleterious by in silico analysis. Since supporting evidence is limited at this time, the clinical significance of this alteration remains unclear.